The following is an entry in ClinVar:

ClinVar aggregate classification (germline): Uncertain significance (1 of 4 stars; one submission).

Submission:

Labcorp Genetics (formerly Invitae), Labcorp
Classification: Uncertain significance. Last evaluated: 2023-09-22. Review status: criteria provided, single submitter. Criteria: Invitae Variant Classification Sherloc (09022015). Collection method: clinical testing. Allele origin: germline.
Comment: In summary, the available evidence is currently insufficient to determine the role of this variant in disease. Therefore, it has been classified as a Variant of Uncertain Significance. Variants that disrupt the consensus splice site are a relatively common cause of aberrant splicing (PMID: 17576681, 9536098). Algorithms developed to predict the effect of sequence changes on RNA splicing suggest that this variant is not likely to affect RNA splicing. This variant has not been reported in the literature in individuals affected with DNM1L-related conditions. This variant is not present in population databases (gnomAD no frequency). This sequence change falls in intron 3 of the DNM1L gene. It does not directly change the encoded amino acid sequence of the DNM1L protein. It affects a nucleotide within the consensus splice site.

Literature cited by the submitters: PubMed 17576681; PubMed 9536098.

NM_012062.5(DNM1L):c.298-3T>A

Gene: DNM1L (dynamin 1 like; plus strand). Cytogenetic location: 12p11.21.
Variant type: single nucleotide variant.
Coding change: c.298-3T>A on transcript NM_012062.5 (MANE Select); 3 bases into the intron before coding-DNA position 298, T replaced by A.
Molecular consequence: intron variant.
Genome position (GRCh38, 1-based): chr12:32,708,150, T>A. VCF-style: chr12-32708150-T-A. GRCh37 (hg19) VCF-style: chr12-32861084-T-A.
Other names: c.337-3T>A (NM_001278464.2, NM_001278465.2, NM_001330380.2); c.131+737T>A (NM_001278466.2); c.298-3T>A (NM_001278463.2, NM_012063.4, NM_005690.5).
Identifiers: ClinVar variation 2762720 (VCV002762720.3), dbSNP rs2541000618, ClinGen allele CA2697559168.